The following is an entry in ClinVar:

NM_000384.3(APOB):c.8557A>G (p.Lys2853Glu)

Gene: APOB (apolipoprotein B; minus strand). Cytogenetic location: 2p24.1.
Variant type: single nucleotide variant.
Coding change: c.8557A>G on transcript NM_000384.3 (MANE Select); coding-DNA position 8557, A replaced by G.
Protein change: p.Lys2853Glu; replaces lysine 2853 with glutamic acid.
Molecular consequence: missense variant.
Genome position (GRCh38, 1-based): chr2:21,008,311, T>C on the plus strand (A>G on the coding strand, the complement: APOB is on the minus strand). VCF-style: chr2-21008311-T-C. GRCh37 (hg19) VCF-style: chr2-21231183-T-C.
Other names: short protein forms K2853E.
Identifiers: ClinVar variation 1494062 (VCV001494062.3), dbSNP rs2103354190, ClinGen allele CA345993869.

ClinVar aggregate classification (germline): Uncertain significance (1 of 4 stars; one submission).

Conditions:
Familial hypobetalipoproteinemia 1. Also called: APOB-Related Familial Hypobetalipoproteinemia; Hypobetalipoproteinemia, normotriglyceridemic; Acanthocytosis with hypobetalipoproteinemia. Identifiers: MedGen C4551990, MONDO:0014252, OMIM 615558.
Hypercholesterolemia, autosomal dominant, type B (FHCL2). Also called: Familial Hypercholesterolemia Type B; APOLIPOPROTEIN B-100, FAMILIAL DEFECTIVE; APOLIPOPROTEIN B-100, FAMILIAL LIGAND-DEFECTIVE; HYPERCHOLESTEROLEMIA, FAMILIAL, DUE TO LIGAND-DEFECTIVE APOLIPOPROTEIN B; Familial hypercholesterolemia 2; Hyperlipoproteinemia Type IIb. Identifiers: MedGen C1704417, MONDO:0007751, OMIM 144010.

Allele frequency attached by ClinVar (database versions not stated): gnomAD exomes below 0.00001.
gnomAD v4.1: 1 of 1,613,230 alleles (0.000062%); highest among the groups gnomAD compares: Non-Finnish European, 0.000085%; no homozygotes.

Submission:

Labcorp Genetics (formerly Invitae), Labcorp
Classification: Uncertain significance for Familial hypobetalipoproteinemia 1; Hypercholesterolemia, autosomal dominant, type B. Last evaluated: 2021-10-03. Review status: criteria provided, single submitter. Criteria: Invitae Variant Classification Sherloc (09022015). Collection method: clinical testing. Allele origin: germline.
Comment: This sequence change replaces lysine with glutamic acid at codon 2853 of the APOB protein (p.Lys2853Glu). The lysine residue is moderately conserved and there is a small physicochemical difference between lysine and glutamic acid. This variant is not present in population databases (ExAC no frequency). This variant has not been reported in the literature in individuals affected with APOB-related conditions. Algorithms developed to predict the effect of missense changes on protein structure and function are either unavailable or do not agree on the potential impact of this missense change (SIFT: "Deleterious"; PolyPhen-2: "Probably Damaging"; Align-GVGD: "Class C0"). In summary, the available evidence is currently insufficient to determine the role of this variant in disease. Therefore, it has been classified as a Variant of Uncertain Significance.